The following is an entry in ClinVar:

ClinVar aggregate classification (germline): Uncertain significance (1 of 4 stars; one submission).

Conditions:
Long QT syndrome (LQTS). Identifiers: MedGen C0023976, MeSH D008133, MONDO:0002442. Disease mechanism: loss of function. Inheritance: Various modes of inheritance.

Submission:

Labcorp Genetics (formerly Invitae), Labcorp
Classification: Uncertain significance for Long QT syndrome. Last evaluated: 2018-12-18. Review status: criteria provided, single submitter. Criteria: Invitae Variant Classification Sherloc (09022015). Collection method: clinical testing. Allele origin: germline.
Comment: This sequence change replaces leucine with proline at codon 175 of the KCNQ1 protein (p.Leu175Pro). The leucine residue is highly conserved and there is a moderate physicochemical difference between leucine and proline. This variant is not present in population databases (ExAC no frequency). This variant has not been reported in the literature in individuals with KCNQ1-related conditions. Algorithms developed to predict the effect of missense changes on protein structure and function (SIFT, PolyPhen-2, Align-GVGD) all suggest that this variant is likely to be disruptive, but these predictions have not been confirmed by published functional studies and their clinical significance is uncertain. In summary, the available evidence is currently insufficient to determine the role of this variant in disease. Therefore, it has been classified as a Variant of Uncertain Significance.

NM_000218.3(KCNQ1):c.524T>C (p.Leu175Pro)

Gene: KCNQ1 (potassium voltage-gated channel subfamily Q member 1; plus strand). Cytogenetic location: 11p15.5.
Variant type: single nucleotide variant.
Coding change: c.524T>C on transcript NM_000218.3 (MANE Select); coding-DNA position 524, T replaced by C.
Protein change: p.Leu175Pro; replaces leucine 175 with proline.
Molecular consequence: missense variant.
Genome position (GRCh38, 1-based): chr11:2,570,674, T>C. VCF-style: chr11-2570674-T-C. GRCh37 (hg19) VCF-style: chr11-2591904-T-C.
Other names: c.524T>C, p.Leu175Pro (NM_001406836.1); c.254T>C, p.Leu85Pro (NM_001406837.1); c.143T>C, p.Leu48Pro (NM_181798.2); short protein forms L48P, L175P, L85P.
Identifiers: ClinVar variation 644915 (VCV000644915.10), dbSNP rs1589956588, ClinGen allele CA379129877.